The following is an entry in ClinVar:

ClinVar aggregate classification (germline): Pathogenic (1 of 4 stars; one submission).

Submission:

Labcorp Genetics (formerly Invitae), Labcorp
Classification: Pathogenic. Last evaluated: 2022-01-16. Review status: criteria provided, single submitter. Criteria: Invitae Variant Classification Sherloc (09022015). Collection method: clinical testing. Allele origin: germline.
Comment: For these reasons, this variant has been classified as Pathogenic. This variant has not been reported in the literature in individuals affected with LPL-related conditions. This variant is not present in population databases (gnomAD no frequency). This sequence change creates a premature translational stop signal (p.Trp113*) in the LPL gene. It is expected to result in an absent or disrupted protein product. Loss-of-function variants in LPL are known to be pathogenic (PMID: 11334614).

Literature cited by the submitters: PubMed 11334614.

NM_000237.3(LPL):c.339G>A (p.Trp113Ter)

Gene: LPL (lipoprotein lipase; plus strand). Cytogenetic location: 8p21.3.
Variant type: single nucleotide variant.
Coding change: c.339G>A on transcript NM_000237.3 (MANE Select); coding-DNA position 339, G replaced by A.
Protein change: p.Trp113Ter; replaces tryptophan 113 with a stop codon.
Molecular consequence: nonsense.
Genome position (GRCh38, 1-based): chr8:19,951,858, G>A. VCF-style: chr8-19951858-G-A. GRCh37 (hg19) VCF-style: chr8-19809369-G-A.
Other names: short protein forms W113*.
Identifiers: ClinVar variation 2085152 (VCV002085152.4), dbSNP rs2540103224, ClinGen allele CA370467591.